The following is an entry in ClinVar:

ClinVar aggregate classification (germline): Uncertain significance (1 of 4 stars; one submission).

Conditions:
COG7 congenital disorder of glycosylation (CDG2E). Also called: CONGENITAL DISORDER OF GLYCOSYLATION, TYPE IIe; CDG IIe. Identifiers: Orphanet 79333, MedGen C2931010, MONDO:0012118, OMIM 608779.

Submission:

Labcorp Genetics (formerly Invitae), Labcorp
Classification: Uncertain significance for COG7 congenital disorder of glycosylation. Last evaluated: 2022-07-05. Review status: criteria provided, single submitter. Criteria: Invitae Variant Classification Sherloc (09022015). Collection method: clinical testing. Allele origin: germline.
Comment: In summary, the available evidence is currently insufficient to determine the role of this variant in disease. Therefore, it has been classified as a Variant of Uncertain Significance. Algorithms developed to predict the effect of sequence changes on RNA splicing suggest that this variant may disrupt the consensus splice site. Algorithms developed to predict the effect of missense changes on protein structure and function are either unavailable or do not agree on the potential impact of this missense change (SIFT: "Deleterious"; PolyPhen-2: "Probably Damaging"; Align-GVGD: "Class C0"). ClinVar contains an entry for this variant (Variation ID: 1477631). This variant has not been reported in the literature in individuals affected with COG7-related conditions. This variant is not present in population databases (gnomAD no frequency). This sequence change replaces arginine, which is basic and polar, with tryptophan, which is neutral and slightly polar, at codon 492 of the COG7 protein (p.Arg492Trp).

NM_153603.4(COG7):c.1474A>T (p.Arg492Trp)

Gene: COG7 (component of oligomeric golgi complex 7; minus strand). Cytogenetic location: 16p12.2.
Variant type: single nucleotide variant.
Coding change: c.1474A>T on transcript NM_153603.4 (MANE Select); coding-DNA position 1474, A replaced by T.
Protein change: p.Arg492Trp; replaces arginine 492 with tryptophan.
Molecular consequence: missense variant.
Genome position (GRCh38, 1-based): chr16:23,410,296, T>A on the plus strand (A>T on the coding strand, the complement: COG7 is on the minus strand). VCF-style: chr16-23410296-T-A. GRCh37 (hg19) VCF-style: chr16-23421617-T-A.
Other names: short protein forms R492W.
Identifiers: ClinVar variation 1477631 (VCV001477631.8), dbSNP rs2142070391, ClinGen allele CA395118991.